The following is an entry in ClinVar:

NM_006005.3(WFS1):c.2069G>A (p.Cys690Tyr)

Gene: WFS1 (wolframin ER transmembrane glycoprotein; plus strand). Cytogenetic location: 4p16.1.
Variant type: single nucleotide variant.
Coding change: c.2069G>A on transcript NM_006005.3 (MANE Select); coding-DNA position 2069, G replaced by A.
Protein change: p.Cys690Tyr; replaces cysteine 690 with tyrosine.
Molecular consequence: missense variant.
Genome position (GRCh38, 1-based): chr4:6,301,864, G>A. VCF-style: chr4-6301864-G-A. GRCh37 (hg19) VCF-style: chr4-6303591-G-A.
Other names: c.2069G>A, p.Cys690Tyr (NM_001145853.1); short protein forms C690Y.
Identifiers: ClinVar variation 3590730 (VCV003590730.2).

ClinVar aggregate classification (germline): Likely pathogenic. Review status: criteria provided, multiple submitters, no conflicts (2 of 4 stars). 2 submissions from 2 submitters: Likely pathogenic (2). Last evaluated 2026-07-17.

Conditions:
Wolfram syndrome 1 (WFS1). Identifiers: Orphanet 3463, MedGen C4551693, MONDO:0009101, OMIM 222300.
Wolfram-like syndrome. Also called: HEARING LOSS, PROGRESSIVE, WITH OPTIC ATROPHY AND/OR IMPAIRED GLUCOSE REGULATION. Identifiers: Orphanet 411590, MedGen C3280358, MONDO:0013673, OMIM 614296.
Cataract 41 (CTRCT41). Also called: CATARACT 41, CONGENITAL NUCLEAR TYPE. Identifiers: Orphanet 91492, Orphanet 98991, Orphanet 98992, Orphanet 98995, MedGen C3805412, MONDO:0007287, OMIM 116400.
Autosomal dominant nonsyndromic hearing loss 6 (LFSNHL). Also called: DEAFNESS, AUTOSOMAL DOMINANT 6; DEAFNESS, AUTOSOMAL DOMINANT 14; DEAFNESS, AUTOSOMAL DOMINANT 38; Autosomal dominant nonsyndromic deafness 6. Identifiers: Orphanet 90635, MedGen C1833021, MONDO:0010963, OMIM 600965.
Type 2 diabetes mellitus. Also called: Type II diabetes mellitus. Identifiers: MedGen C0011860, MeSH D003924, MONDO:0005148, OMIM 125853, HP:0005978.

gnomAD v4.1: 2 of 1,612,876 alleles (0.00012%); highest among the groups gnomAD compares: East Asian, 0.0022%; no homozygotes.

Submissions (2):

Metabolic Disorders Research Center, Endocrinology and Metabolism Molecular-Cellular Sciences, Tehran University of Medical Sciences
Classification: Likely pathogenic for Wolfram syndrome 1. Last evaluated: 2026-07-17. Review status: criteria provided, single submitter. Criteria: ACMG Guidelines, 2015. Collection method: clinical testing. Allele origin: germline. Inheritance: Autosomal recessive inheritance. Affected: yes. Observed: 6 variant alleles. Clinical features observed: Diabetes mellitus (HP:0000819), Optic atrophy (HP:0000648), Sensorineural hearing loss disorder (HP:0000407).
Comment: Identified in homozygous state in 4 unrelated patients and heterozygous state (with a second WFS1 variant) in 2 additional patients, all with clinical and biochemical features of Wolfram syndrome. Evidence codes: PM2, PM1, PM5, PP3

Fulgent Genetics
Classification: Likely pathogenic for Cataract 41; Type 2 diabetes mellitus; Wolfram syndrome 1; Autosomal dominant nonsyndromic hearing loss 6; Wolfram-like syndrome. Last evaluated: 2024-04-30. Review status: criteria provided, single submitter. Criteria: ACMG Guidelines, 2015. Collection method: clinical testing. Allele origin: germline.